The following is an entry in ClinVar:

NM_133261.3(GIPC3):c.592G>T (p.Asp198Tyr)

Gene: GIPC3 (GIPC PDZ domain containing family member 3; plus strand). Cytogenetic location: 19p13.3.
Variant type: single nucleotide variant.
Coding change: c.592G>T on transcript NM_133261.3 (MANE Select); coding-DNA position 592, G replaced by T.
Protein change: p.Asp198Tyr; replaces aspartic acid 198 with tyrosine.
Molecular consequence: missense variant.
Genome position (GRCh38, 1-based): chr19:3,586,994, G>T. VCF-style: chr19-3586994-G-T. GRCh37 (hg19) VCF-style: chr19-3586992-G-T.
Other names: short protein forms D198Y.
Identifiers: ClinVar variation 1029068 (VCV001029068.1), dbSNP rs1320335674, ClinGen allele CA403362832.

ClinVar aggregate classification (germline): Uncertain significance (1 of 4 stars; one submission).

Conditions:
Autosomal recessive nonsyndromic hearing loss 15. Also called: DEAFNESS, AUTOSOMAL RECESSIVE 15; DEAFNESS, AUTOSOMAL RECESSIVE 72; DEAFNESS, AUTOSOMAL RECESSIVE 95. Identifiers: Orphanet 90636, MedGen C1866094, MONDO:0011160, OMIM 601869.

Submission:

Baylor Genetics
Classification: Uncertain significance for Autosomal recessive nonsyndromic hearing loss 15. Last evaluated: 2020-08-07. Review status: criteria provided, single submitter. Criteria: ACMG Guidelines, 2015. Collection method: clinical testing. Allele origin: unknown. Affected: yes.
Comment: This variant was determined to be of uncertain significance according to ACMG Guidelines, 2015 [PMID:25741868].